The following is an entry in ClinVar:

NM_001134665.3(TRMT10A):c.899G>A (p.Gly300Asp)

Gene: TRMT10A (tRNA methyltransferase 10A; minus strand). Cytogenetic location: 4q23.
Variant type: single nucleotide variant.
Coding change: c.899G>A on transcript NM_001134665.3 (MANE Select); coding-DNA position 899, G replaced by A.
Protein change: p.Gly300Asp; replaces glycine 300 with aspartic acid.
Molecular consequence: missense variant.
Genome position (GRCh38, 1-based): chr4:99,549,209, C>T on the plus strand (G>A on the coding strand, the complement: TRMT10A is on the minus strand). VCF-style: chr4-99549209-C-T. GRCh37 (hg19) VCF-style: chr4-100470366-C-T.
Other names: c.899G>A, p.Gly300Asp (NM_001134666.3, NM_001375880.1, NM_001375881.1 and 1 more transcripts); c.878G>A, p.Gly293Asp (NM_001375882.1); c.899G>A (NM_152292.4); short protein forms G293D, G300D.
Identifiers: ClinVar variation 1441812 (VCV001441812.6), dbSNP rs771561899, ClinGen allele CA3021398.

ClinVar aggregate classification (germline): Conflicting classifications of pathogenicity. Review status: criteria provided, conflicting classifications (1 of 4 stars). 2 submissions from 2 submitters: Uncertain significance (1); Likely benign (1). Last evaluated 2025-05-25.

Conditions:
Inborn genetic diseases. Identifiers: MedGen C0950123, MeSH D030342.

Allele frequency attached by ClinVar (database versions not stated): gnomAD exomes 0.00002 and 0.00008; TOPMed 0.00003; ExAC 0.00014; gnomAD 0.00003 and 0.00004.
gnomAD v4.1: 30 of 1,614,026 alleles (0.0019%); highest among the groups gnomAD compares: Admixed American, 0.028%; no homozygotes.

Submissions (2):

Ambry Genetics
Classification: Likely benign for Inborn genetic diseases. Last evaluated: 2025-05-25. Review status: criteria provided, single submitter. Criteria: Ambry Variant Classification Scheme 2023. Collection method: clinical testing. Allele origin: germline.

Labcorp Genetics (formerly Invitae), Labcorp
Classification: Uncertain significance. Last evaluated: 2022-10-24. Review status: criteria provided, single submitter. Criteria: Invitae Variant Classification Sherloc (09022015). Collection method: clinical testing. Allele origin: germline.
Comment: This sequence change replaces glycine, which is neutral and non-polar, with aspartic acid, which is acidic and polar, at codon 300 of the TRMT10A protein (p.Gly300Asp). This variant is present in population databases (rs771561899, gnomAD 0.04%). This variant has not been reported in the literature in individuals affected with TRMT10A-related conditions. ClinVar contains an entry for this variant (Variation ID: 1441812). Algorithms developed to predict the effect of missense changes on protein structure and function output the following: SIFT: "Tolerated"; PolyPhen-2: "Benign"; Align-GVGD: "Class C0". The aspartic acid amino acid residue is found in multiple mammalian species, which suggests that this missense change does not adversely affect protein function. In summary, the available evidence is currently insufficient to determine the role of this variant in disease. Therefore, it has been classified as a Variant of Uncertain Significance.